The following is an entry in ClinVar:

NM_014864.4(FAM20B):c.998+6_998+36del

Gene: FAM20B (FAM20B glycosaminoglycan xylosylkinase; plus strand). Cytogenetic location: 1q25.2.
Variant type: Deletion.
Coding change: c.998+6_998+36del on transcript NM_014864.4 (MANE Select); bases 6 to 36 of the intron after coding-DNA position 998, 31 bases deleted.
Molecular consequence: intron variant.
Genome position (GRCh38, 1-based): chr1:179,066,865-179,066,895, 31 bases deleted; deleting any 31 consecutive bases within chr1:179,066,864-179,066,895 gives the same sequence; the c. name uses the placement nearest the transcript's 3' end. GRCh37 (hg19): chr1:179,036,000-179,036,030.
Other names: c.998+6_998+36del (NM_001324310.2, NM_001324311.2).
Identifiers: ClinVar variation 5010300 (VCV005010300.1).

ClinVar aggregate classification (germline): Pathogenic (1 of 4 stars; one submission).

Conditions:
Desbuquois syndrome. Also called: Desbuquois dysplasia. Identifiers: Orphanet 1425, MedGen C0432242, MONDO:0015426.

Submission:

Clinical Genetics and Genomics, Karolinska University Hospital
Classification: Pathogenic for Desbuquois syndrome. Last evaluated: 2026-09-28. Review status: criteria provided, single submitter. Criteria: ACMG Guidelines, 2015. Collection method: clinical testing. Allele origin: germline. Inheritance: Autosomal recessive inheritance. Affected: yes. Observed: 1 variant allele, 1 compound heterozygote.
Comment: The variant is absent in gnomAD (PM2_sup). We identified compound heterozygozity for two variants in the FAM20B gene (NM_014864.4) c.1223del and c.998+6_998+36del. RNA sequencing showed that this variant led to intron retention (21 bp of the mRNA) and introduced a premature stop codon (p.Ile333Met*1) (PVS1).